The following is an entry in ClinVar:

NM_170754.4(TNS2):c.2721T>C (p.Gly907=)

Gene: TNS2 (tensin 2; plus strand). Cytogenetic location: 12q13.13.
Variant type: single nucleotide variant.
Coding change: c.2721T>C on transcript NM_170754.4 (MANE Select); coding-DNA position 2721, T replaced by C.
Protein change: p.Gly907=; no amino-acid change (glycine 907 retained).
Molecular consequence: synonymous variant.
Genome position (GRCh38, 1-based): chr12:53,060,508, T>C. VCF-style: chr12-53060508-T-C. GRCh37 (hg19) VCF-style: chr12-53454292-T-C.
Other names: c.2721T>C, p.Gly907= (NM_001416202.1); c.2679T>C, p.Gly893= (NM_001416203.1); c.2748T>C, p.Gly916= (NM_001416204.1); c.2652T>C, p.Gly884= (NM_015319.3); c.2349T>C, p.Gly783= (NM_198316.2); c.2751T>C (NM_015319.2).
Identifiers: ClinVar variation 2193910 (VCV002193910.6), dbSNP rs540014997, ClinGen allele CA6592665.

ClinVar aggregate classification (germline): Likely benign. Review status: criteria provided, single submitter (1 of 4 stars). 2 submissions from 2 submitters: Likely benign (1). 1 of the submissions does not count toward it. Last evaluated 2026-01-26.

Conditions:
TNS2-related disorder. Also called: TNS2-related condition.

Allele frequency attached by ClinVar (database versions not stated): gnomAD 0.00002; gnomAD exomes 0.00002; TOPMed 0.00005; ExAC 0.00010; 1000 Genomes Project 30x 0.00016; 1000 Genomes Project 0.00020.
gnomAD v4.1: 35 of 1,613,666 alleles (0.0022%); highest among the groups gnomAD compares: East Asian, 0.06%; no homozygotes.

Submissions (2):

Labcorp Genetics (formerly Invitae), Labcorp
Classification: Likely benign. Last evaluated: 2026-01-26. Review status: criteria provided, single submitter. Criteria: Invitae Variant Classification Sherloc (09022015). Collection method: clinical testing. Allele origin: germline.

PreventionGenetics, part of Exact Sciences
Classification: Likely benign for TNS2-related condition. Last evaluated: 2022-02-03. Review status: no assertion criteria provided. Collection method: clinical testing. Allele origin: germline. Not counted in ClinVar's aggregate classification.
Comment: This variant is classified as likely benign based on ACMG/AMP sequence variant interpretation guidelines (Richards et al. 2015 PMID: 25741868, with internal and published modifications).